The following is an entry in ClinVar:

NM_000478.6(ALPL):c.1001G>A (p.Gly334Asp)

Gene: ALPL (alkaline phosphatase, biomineralization associated; plus strand). Cytogenetic location: 1p36.12.
Variant type: single nucleotide variant.
Coding change: c.1001G>A on transcript NM_000478.6 (MANE Select); coding-DNA position 1001, G replaced by A.
Protein change: p.Gly334Asp; replaces glycine 334 with aspartic acid.
Molecular consequence: missense variant.
Genome position (GRCh38, 1-based): chr1:21,575,736, G>A. VCF-style: chr1-21575736-G-A. GRCh37 (hg19) VCF-style: chr1-21902229-G-A.
Other names: G317D; c.836G>A, p.Gly279Asp (NM_001127501.4); c.770G>A, p.Gly257Asp (NM_001177520.3); c.1001G>A, p.Gly334Asp (NM_001369803.2, NM_001369804.2, NM_001369805.2); short protein forms G334D, G257D, G279D.
Identifiers: ClinVar variation 13672 (VCV000013672.63), dbSNP rs121918009, ClinGen allele CA256929.

ClinVar aggregate classification (germline): Pathogenic/Likely pathogenic. Review status: criteria provided, multiple submitters, no conflicts (2 of 4 stars). 18 submissions from 18 submitters: Pathogenic (12); Likely pathogenic (1). 5 of the submissions do not count toward it. Last evaluated 2026-07-24.

Conditions:
ALPL-related disorder. Also called: ALPL-related disorders; ALPL-related condition.
Infantile hypophosphatasia. Identifiers: Orphanet 247651, Orphanet 436, MedGen C0268412, MONDO:1010169, OMIM 241500, MONDO:0009427.
Childhood hypophosphatasia. Identifiers: Orphanet 247667, Orphanet 436, MedGen C0220743, MONDO:1010168, OMIM 241510, MONDO:0009428.
Adult hypophosphatasia. Identifiers: Orphanet 247676, Orphanet 436, MedGen C0268413, MONDO:1010154, OMIM 146300, MONDO:0007798.
Hypophosphatasia. Also called: Phosphoethanol-aminuria. Identifiers: Orphanet 436, MedGen C0020630, MeSH D007014, MONDO:0018570.
Osteogenesis imperfecta (OI). Identifiers: Orphanet 666, MedGen C0029434, MeSH D010013, MONDO:0019019.

Allele frequency attached by ClinVar (database versions not stated): TOPMed 0.00001; gnomAD exomes below 0.00001.
gnomAD v4.1: 2 of 1,614,146 alleles (0.00012%); highest among the groups gnomAD compares: Non-Finnish European, 0.00017%; no homozygotes.

Submissions 1 to 13 of 18:

Myriad Genetics, Inc.
Classification: Pathogenic for Hypophosphatasia. Last evaluated: 2026-07-24. Review status: criteria provided, single submitter. Criteria: Myriad Autosomal Dominant, Autosomal Recessive and X-Linked Classification Criteria (2023). Collection method: clinical testing. Allele origin: unknown.
Comment: NM_000478.4(ALPL):c.1001G>A(G334D) is a missense variant classified as pathogenic in the context of hypophosphatasia. Please note that G334Dis associated with autosomal dominant hypophosphatasia. The reproductive risk may be as high as 50%. G334D has been observed in cases with relevant disease (PMID: 18769927, 24569605, 12638946, 22397652, 8406453, 9781036, 15694177, 19500388, 31152801). Relevant functional assessments of this variant are available in the literature (PMID: 24569605, 19500388, 9618260, 32160374). G334D has not been observed in referenced population frequency databases. In summary, NM_000478.4(ALPL):c.1001G>A(G334D) is a missense variant that has functional support for pathogenicity and has been observed more frequently in cases with the relevant disease than in healthy populations. Please note: this variant was assessed in the context of healthy population screening.

CeGaT Center for Human Genetics Tuebingen
Classification: Pathogenic. Last evaluated: 2026-03-01. Review status: criteria provided, single submitter. Criteria: CeGaT Center For Human Genetics Tuebingen Variant Classification Criteria Version 2. Collection method: clinical testing. Allele origin: germline. Affected: yes. Observed: 3 variant alleles.
Comment: ALPL: PP1:Strong, PM2, PM3, PM5, PP3

Labcorp Genetics (formerly Invitae), Labcorp
Classification: Pathogenic. Last evaluated: 2026-01-27. Review status: criteria provided, single submitter. Criteria: Invitae Variant Classification Sherloc (09022015). Collection method: clinical testing. Allele origin: germline.
Comment: This sequence change replaces glycine, which is neutral and non-polar, with aspartic acid, which is acidic and polar, at codon 334 of the ALPL protein (p.Gly334Asp). This variant is not present in population databases (gnomAD no frequency). This missense change has been observed in individuals with hypophosphatasia (PMID: 8406453, 24569605). It has also been observed to segregate with disease in related individuals. This variant is also known as p.Gly317Asp. ClinVar contains an entry for this variant (Variation ID: 13672). Invitae Evidence Modeling of protein sequence and biophysical properties (such as structural, functional, and spatial information, amino acid conservation, physicochemical variation, residue mobility, and thermodynamic stability) indicates that this missense variant is expected to disrupt ALPL protein function with a positive predictive value of 95%. Experimental studies have shown that this missense change affects ALPL function (PMID: 19500388, 24569605). For these reasons, this variant has been classified as Pathogenic.

Genomenon, Inc
Classification: Pathogenic for Hypophosphatasia. Last evaluated: 2025-08-29. Review status: criteria provided, single submitter. Criteria: Genomenon Sequence Variant Interpretation Standards. Collection method: curation. Allele origin: germline. Affected: yes.
Comment: ALPL c.1001G>A is a missense variant that changes the amino acid at residue 334 from Glycine to Aspartic acid. This variant has been observed in multiple probands affected with hypophosphatasia (PMID:32160374;33101980;23580367;32811521;24569605;30719581;32973344;18925618;10636450). The variant was found to segregate with disease in at least one affected family (PMID:33101980;10636450;24569605;18925618). At least one functional study has demonstrated a substantial alteration in protein function relative to the wild-type (PMID:9618260;32160374;19500388). This variant has been described as Gly317Asp in the literature. It is absent or not present at a significant frequency in gnomAD. In silico models agree that this variant is possibly or probably damaging. In conclusion, we classify ALPL p.Gly334Asp (c.1001G>A) as a pathogenic variant.

Rare Kidney Stone Consortium and the Mayo Clinic Hyperoxaluria Center, Mayo Clinic
Classification: Likely pathogenic for Adult hypophosphatasia; Infantile hypophosphatasia; Childhood hypophosphatasia. Last evaluated: 2025-05-01. Review status: criteria provided, single submitter. Criteria: ACMG Guidelines, 2015. Collection method: research. Allele origin: germline.
Comment: ACMG: PS1, PS3, PM2

heterozygote

Natera, Inc.
Classification: Pathogenic for Hypophosphatasia. Last evaluated: 2024-06-17. Review status: criteria provided, single submitter. Criteria: Natera Variant Classification Schema (03/2026). Collection method: clinical testing. Allele origin: germline.
Comment: The c.1001G>A variant in ALPL is a missense variant predicted to cause substitution of glycine to aspartic acid at amino acid 334. This variant is rare in the general population with a frequency below the threshold expected for the associated phenotype(s). This variant has been observed in one or more individuals affected with the associated recessive disease, as either homozygous or compound heterozygous with a second variant (PMID: 10636450, 8406453, 18925618). Given the available evidence, this variant is classified as Pathogenic.

Women's Health and Genetics/Laboratory Corporation of America, LabCorp
Classification: Pathogenic for Hypophosphatasia. Last evaluated: 2024-01-23. Review status: criteria provided, single submitter. Criteria: LabCorp Variant Classification Summary - May 2015. Collection method: clinical testing. Allele origin: germline.
Comment: Variant summary: ALPL c.1001G>A (p.Gly334Asp, also known as p.Gly317Asp) results in a non-conservative amino acid change in the encoded protein sequence. Five of five in-silico tools predict a damaging effect of the variant on protein function. The variant was absent in 250928 control chromosomes. c.1001G>A has been reported either at a homozygous state or at a compound heterozygous state along with a second pathogenic variant in multiple individuals affected with autosomal recessive Hypophosphatasia (example, DelAngel_2020, Gehring_1999). These data indicate that the variant is very likely to be associated with disease. At least one publication reports experimental evidence evaluating an impact on protein function. The most pronounced variant effect results in about 6% of normal activity in MDCK II cells (DelAngel_2020). The following publications have been ascertained in the context of this evaluation (PMID: 32160374, 10636450). ClinVar contains an entry for this variant (Variation ID: 13672). Based on the evidence outlined above, the variant was classified as pathogenic.

Blueprint Genetics
Classification: Pathogenic for ALPL-related disorders. Last evaluated: 2023-08-02. Review status: criteria provided, single submitter. Criteria: ACMG Guidelines, 2015. Collection method: clinical testing. Allele origin: germline. Affected: yes. Observed: 5 variant alleles.

Baylor Genetics
Classification: Pathogenic for Adult hypophosphatasia. Last evaluated: 2022-07-30. Review status: criteria provided, single submitter. Criteria: ACMG Guidelines, 2015. Collection method: clinical testing. Allele origin: unknown.

GeneDx
Classification: Pathogenic. Last evaluated: 2021-04-23. Review status: criteria provided, single submitter. Criteria: GeneDx Variant Classification Process June 2021. Collection method: clinical testing. Allele origin: germline. Affected: yes.
Comment: Not observed in large population cohorts (Lek et al., 2016); Published functional studies demonstrate this variant has decreased activity and dominant-negative effects (Fauvert et al., 2009; Hoffman et al., 2014; Del Angel et al., 2020); In silico analysis supports that this missense variant has a deleterious effect on protein structure/function; This variant is associated with the following publications: (PMID: 8406453, 33101980, 24569605, 19500388, 32160374, 20301329, 9618260, 9781036, 12638946, 15694177, 22397652)

Genome Diagnostics Laboratory, The Hospital for Sick Children
Classification: Pathogenic for Osteogenesis imperfecta. Last evaluated: 2020-06-01. Review status: criteria provided, single submitter. Criteria: ACMG Guidelines, 2015. Collection method: clinical testing. Allele origin: germline.

Fulgent Genetics
Classification: Pathogenic for Adult hypophosphatasia; Infantile hypophosphatasia; Childhood hypophosphatasia. Last evaluated: 2018-10-31. Review status: criteria provided, single submitter. Criteria: ACMG Guidelines, 2015. Collection method: clinical testing. Allele origin: unknown.

Center for Pediatric Genomic Medicine, Children's Mercy Hospital and Clinics
Classification: Pathogenic. Last evaluated: 2016-11-04. Review status: criteria provided, single submitter. Criteria: ACMG Guidelines, 2015. Collection method: clinical testing. Allele origin: germline.